The following is an entry in ClinVar:

ClinVar aggregate classification (germline): Uncertain significance (1 of 4 stars; one submission).

Conditions:
Inborn genetic diseases. Identifiers: MedGen C0950123, MeSH D030342.

Submission:

Ambry Genetics
Classification: Uncertain significance for Inborn genetic diseases. Last evaluated: 2024-01-12. Review status: criteria provided, single submitter. Criteria: Ambry Variant Classification Scheme 2023. Collection method: clinical testing. Allele origin: germline.
Comment: The p.S694N variant (also known as c.2081G>A), located in coding exon 16 of the BUB1B gene, results from a G to A substitution at nucleotide position 2081. The serine at codon 694 is replaced by asparagine, an amino acid with highly similar properties. This amino acid position is conserved. In addition, this alteration is predicted to be tolerated by in silico analysis. Since supporting evidence is limited at this time, the clinical significance of this alteration remains unclear.

NM_001211.6(BUB1B):c.2081G>A (p.Ser694Asn)

Gene: BUB1B (BUB1 mitotic checkpoint serine/threonine kinase B; plus strand). Cytogenetic location: 15q15.1.
Variant type: single nucleotide variant.
Coding change: c.2081G>A on transcript NM_001211.6 (MANE Select); coding-DNA position 2081, G replaced by A.
Protein change: p.Ser694Asn; replaces serine 694 with asparagine.
Molecular consequence: missense variant.
Genome position (GRCh38, 1-based): chr15:40,208,708, G>A. VCF-style: chr15-40208708-G-A. GRCh37 (hg19) VCF-style: chr15-40500909-G-A.
Other names: short protein forms S694N.
Identifiers: ClinVar variation 3221376 (VCV003221376.1), dbSNP rs1204113732, ClinGen allele CA391693625.